The following is an entry in ClinVar:

ClinVar aggregate classification (germline): Uncertain significance. Review status: criteria provided, multiple submitters, no conflicts (2 of 4 stars). 2 submissions from 2 submitters: Uncertain significance (2). Last evaluated 2024-05-09.

Conditions:
Autosomal dominant hypocalcemia 1 (HYPOC1). Also called: HYPOCALCEMIA, FAMILIAL. Identifiers: MedGen C3715128, MONDO:0011013, OMIM 601198.
Familial hypocalciuric hypercalcemia (FHH). Also called: Familial benign hypercalcemia. Identifiers: Orphanet 405, MedGen C1809471, MONDO:0018458.
Nephrolithiasis/nephrocalcinosis. Identifiers: MedGen CN580796.

Submissions (2):

Labcorp Genetics (formerly Invitae), Labcorp
Classification: Uncertain significance for Familial hypocalciuric hypercalcemia; Autosomal dominant hypocalcemia 1. Last evaluated: 2024-05-09. Review status: criteria provided, single submitter. Criteria: Invitae Variant Classification Sherloc (09022015). Collection method: clinical testing. Allele origin: germline.
Comment: This sequence change replaces valine, which is neutral and non-polar, with alanine, which is neutral and non-polar, at codon 284 of the CASR protein (p.Val284Ala). This variant is not present in population databases (gnomAD no frequency). This variant has not been reported in the literature in individuals affected with CASR-related conditions. ClinVar contains an entry for this variant (Variation ID: 1763719). An algorithm developed to predict the effect of missense changes on protein structure and function (PolyPhen-2) suggests that this variant is likely to be tolerated. In summary, the available evidence is currently insufficient to determine the role of this variant in disease. Therefore, it has been classified as a Variant of Uncertain Significance.

Ambry Genetics
Classification: Uncertain significance for Nephrolithiasis/nephrocalcinosis. Last evaluated: 2021-12-05. Review status: criteria provided, single submitter. Criteria: Ambry Variant Classification Scheme 2023. Collection method: clinical testing. Allele origin: germline.
Comment: The p.V284A variant (also known as c.851T>C), located in coding exon 3 of the CASR gene, results from a T to C substitution at nucleotide position 851. The valine at codon 284 is replaced by alanine, an amino acid with similar properties. This amino acid position is conserved. In addition, this alteration is predicted to be deleterious by in silico analysis. Since supporting evidence is limited at this time, the clinical significance of this alteration remains unclear.

NM_000388.4(CASR):c.851T>C (p.Val284Ala)

Gene: CASR (calcium sensing receptor; plus strand). Cytogenetic location: 3q21.1.
Variant type: single nucleotide variant.
Coding change: c.851T>C on transcript NM_000388.4 (MANE Select); coding-DNA position 851, T replaced by C.
Protein change: p.Val284Ala; replaces valine 284 with alanine.
Molecular consequence: missense variant.
Genome position (GRCh38, 1-based): chr3:122,261,886, T>C. VCF-style: chr3-122261886-T-C. GRCh37 (hg19) VCF-style: chr3-121980733-T-C.
Other names: c.851T>C, p.Val284Ala (NM_001178065.2); short protein forms V284A.
Identifiers: ClinVar variation 1763719 (VCV001763719.4), dbSNP rs2074629046, ClinGen allele CA354151492.